The following is an entry in ClinVar:

NM_005045.4(RELN):c.3005C>G (p.Thr1002Ser)

Gene: RELN (reelin; minus strand). Cytogenetic location: 7q22.1.
Variant type: single nucleotide variant.
Coding change: c.3005C>G on transcript NM_005045.4 (MANE Select); coding-DNA position 3005, C replaced by G.
Protein change: p.Thr1002Ser; replaces threonine 1002 with serine.
Molecular consequence: missense variant.
Genome position (GRCh38, 1-based): chr7:103,610,698, G>C on the plus strand (C>G on the coding strand, the complement: RELN is on the minus strand). VCF-style: chr7-103610698-G-C. GRCh37 (hg19) VCF-style: chr7-103251145-G-C.
Other names: c.3005C>G, p.Thr1002Ser (NM_173054.3); short protein forms T1002S.
Identifiers: ClinVar variation 851176 (VCV000851176.9), dbSNP rs1376812440, ClinGen allele CA368765530.
Genomic context (GRCh38, chr7:103,610,698, plus strand): 5'-AATCAAAAGGGATAGTCAAAGTTAAAGTGACAGCCATATCTAAAGATGTCATCTCACCAA[G>C]TTTTCTGGGGAAGAAGCACTATGACTCTCCTCCACTGTGTAAACTCACTGGCATGGTAAA-3'
Protein context (NP_005036.2, residues 992-1012): RRVIVLLPQK[Thr1002Ser]WSSATRFRWS

ClinVar aggregate classification (germline): Uncertain significance (1 of 4 stars; one submission).

Conditions:
Norman-Roberts syndrome (LIS2). Also called: Lissencephaly 2 (Norman-Roberts type). Identifiers: Orphanet 89844, MedGen C0796089, MONDO:0009760, OMIM 257320.
Familial temporal lobe epilepsy 7. Identifiers: Orphanet 101046, MedGen C4225327, MONDO:0014639, OMIM 616436.

Allele frequency attached by ClinVar (database versions not stated): gnomAD exomes below 0.00001; gnomAD 0.00001; TOPMed 0.00001.
gnomAD v4.1: 6 of 1,524,498 alleles (0.00039%); highest among the groups gnomAD compares: Non-Finnish European, 0.00055%; no homozygotes.

Submission:

Labcorp Genetics (formerly Invitae), Labcorp
Classification: Uncertain significance for Familial temporal lobe epilepsy 7; Norman-Roberts syndrome. Last evaluated: 2025-01-22. Review status: criteria provided, single submitter. Criteria: Invitae Variant Classification Sherloc (09022015). Collection method: clinical testing. Allele origin: germline.
Comment: This sequence change replaces threonine, which is neutral and polar, with serine, which is neutral and polar, at codon 1002 of the RELN protein (p.Thr1002Ser). This variant is not present in population databases (gnomAD no frequency). This variant has not been reported in the literature in individuals affected with RELN-related conditions. ClinVar contains an entry for this variant (Variation ID: 851176). Invitae Evidence Modeling of protein sequence and biophysical properties (such as structural, functional, and spatial information, amino acid conservation, physicochemical variation, residue mobility, and thermodynamic stability) indicates that this missense variant is not expected to disrupt RELN protein function with a negative predictive value of 80%. Algorithms developed to predict the effect of sequence changes on RNA splicing suggest that this variant may disrupt the consensus splice site. In summary, the available evidence is currently insufficient to determine the role of this variant in disease. Therefore, it has been classified as a Variant of Uncertain Significance.